The following is an entry in ClinVar:

NM_006946.4(SPTBN2):c.2816+5G>A

Gene: SPTBN2 (spectrin beta, non-erythrocytic 2; minus strand). Cytogenetic location: 11q13.2.
Variant type: single nucleotide variant.
Coding change: c.2816+5G>A on transcript NM_006946.4 (MANE Select); 5 bases into the intron after coding-DNA position 2816, G replaced by A.
Molecular consequence: intron variant.
Genome position (GRCh38, 1-based): chr11:66,701,579, C>T on the plus strand (G>A on the coding strand, the complement: SPTBN2 is on the minus strand). VCF-style: chr11-66701579-C-T. GRCh37 (hg19) VCF-style: chr11-66469050-C-T.
Identifiers: ClinVar variation 995241 (VCV000995241.3), dbSNP rs369265033, ClinGen allele CA6129012.
Genomic context (GRCh38, chr11:66,701,579, plus strand): 5'-TCTCACTGCCATCCCCATTGCTTCATTTTTCTGTCAGTTTCCTGGTCCTGCCCTCCCAAA[C>T]CCACCTGTGGTTGAGCTGCTCCTGGGTGTTGACAATGCGGTCTTTGCCTGGGGGGTTGGC-3'

ClinVar aggregate classification (germline): Uncertain significance. Review status: criteria provided, multiple submitters, no conflicts (2 of 4 stars). 2 submissions from 2 submitters: Uncertain significance (2). Last evaluated 2023-08-03.

Allele frequency attached by ClinVar (database versions not stated): gnomAD exomes 0.00002 and 0.00011; ExAC 0.00003; gnomAD 0.00007; TOPMed 0.00010; ESP Exome Variant Server 0.00015.
gnomAD v4.1: 170 of 1,614,044 alleles (0.011%); highest among the groups gnomAD compares: Non-Finnish European, 0.014%; no homozygotes.

Submissions (2):

Labcorp Genetics (formerly Invitae), Labcorp
Classification: Uncertain significance. Last evaluated: 2023-08-03. Review status: criteria provided, single submitter. Criteria: Invitae Variant Classification Sherloc (09022015). Collection method: clinical testing. Allele origin: germline.
Comment: This variant has not been reported in the literature in individuals affected with SPTBN2-related conditions. In summary, the available evidence is currently insufficient to determine the role of this variant in disease. Therefore, it has been classified as a Variant of Uncertain Significance. Variants that disrupt the consensus splice site are a relatively common cause of aberrant splicing (PMID: 17576681, 9536098). Algorithms developed to predict the effect of sequence changes on RNA splicing suggest that this variant is not likely to affect RNA splicing. ClinVar contains an entry for this variant (Variation ID: 995241). This variant is present in population databases (rs369265033, gnomAD 0.004%). This sequence change falls in intron 15 of the SPTBN2 gene. It does not directly change the encoded amino acid sequence of the SPTBN2 protein. It affects a nucleotide within the consensus splice site.

Athena Diagnostics
Classification: Uncertain significance. Last evaluated: 2020-08-25. Review status: criteria provided, single submitter. Criteria: Athena Diagnostics criteria. Collection method: clinical testing. Allele origin: unknown.

Literature cited by the submitters: PubMed 17576681 (cited by Labcorp Genetics (formerly Invitae), Labcorp); PubMed 9536098 (cited by Labcorp Genetics (formerly Invitae), Labcorp).